The following is an entry in ClinVar:

NM_001005242.3(PKP2):c.1378+5T>C

Gene: PKP2 (plakophilin 2; minus strand). Cytogenetic location: 12p11.21.
Variant type: single nucleotide variant.
Coding change: c.1378+5T>C on transcript NM_001005242.3 (MANE Select); 5 bases into the intron after coding-DNA position 1378, T replaced by C.
Molecular consequence: intron variant.
Genome position (GRCh38, 1-based): chr12:32,850,761, A>G on the plus strand (T>C on the coding strand, the complement: PKP2 is on the minus strand). VCF-style: chr12-32850761-A-G. GRCh37 (hg19) VCF-style: chr12-33003695-A-G.
Other names: c.1378+5T>C (NM_004572.3, NM_004572.4).
Identifiers: ClinVar variation 1061498 (VCV001061498.12), dbSNP rs767415624, ClinGen allele CA235255185.

ClinVar aggregate classification (germline): Uncertain significance. Review status: criteria provided, multiple submitters, no conflicts (2 of 4 stars). 3 submissions from 3 submitters: Uncertain significance (3). Last evaluated 2025-07-22.

Conditions:
Arrhythmogenic right ventricular cardiomyopathy (ARVD). Also called: Cardiomyopathy, ARVC; Arrhythmogenic right ventricular dysplasia; Arrhythmogenic cardiomyopathy; Arrhythmogenic Right Ventricular Cardiomyopathy (ARVC). Identifiers: Orphanet 247, MedGen C0349788, MeSH D019571, MONDO:0016587. Disease mechanism: loss of function. Inheritance: Various modes of inheritance.
Cardiovascular phenotype. Identifiers: MedGen CN230736.
Arrhythmogenic right ventricular dysplasia 9 (ARVD9). Also called: Arrhythmogenic Right Ventricular Dysplasia/Cardiomyopathy 9; ARRHYTHMOGENIC RIGHT VENTRICULAR DYSPLASIA, FAMILIAL, 9. Identifiers: MedGen C1836906, MONDO:0012180, OMIM 609040.

gnomAD v4.1: 10 of 1,608,392 alleles (0.00062%); highest among the groups gnomAD compares: Non-Finnish European, 0.00085%; no homozygotes.

Submissions (3):

Ambry Genetics
Classification: Uncertain significance for Cardiovascular phenotype. Last evaluated: 2025-07-22. Review status: criteria provided, single submitter. Criteria: Ambry Variant Classification Scheme 2023. Collection method: clinical testing. Allele origin: germline.
Comment: The c.1378+5T>C intronic variant results from a T to C substitution 5 nucleotides after coding exon 5 in the PKP2 gene. This nucleotide position is well conserved in available vertebrate species. In silico splice site analysis predicts that this alteration will not have any significant effect on splicing. Based on the available evidence, the clinical significance of this variant remains unclear.

All of Us Research Program, National Institutes of Health
Classification: Uncertain significance for Arrhythmogenic right ventricular cardiomyopathy. Last evaluated: 2024-08-13. Review status: criteria provided, single submitter. Criteria: ACMG Guidelines, 2015. Collection method: clinical testing. Allele origin: germline. Inheritance: Autosomal dominant inheritance. Observed: 1 variant allele, 1 heterozygote.
Comment: This variant causes a T to C nucleotide substitution at the +5 position of intron 5 of the PKP2 gene. To our knowledge, functional studies have not been reported for this variant. This variant has not been reported in individuals affected with PKP2-related disorders in the literature. This variant has not been identified in the general population by the Genome Aggregation Database (gnomAD). The available evidence is insufficient to determine the role of this variant in disease conclusively. Therefore, this variant is classified as a Variant of Uncertain Significance.

This study involves interpretation of variants in research participants for the purpose of population health screening. Participant phenotype was not available at the time of variant classification. Additional details can be found in publication PMID: 35346344, PMCID: PMC8962531

Labcorp Genetics (formerly Invitae), Labcorp
Classification: Uncertain significance for Arrhythmogenic right ventricular dysplasia 9. Last evaluated: 2020-07-21. Review status: criteria provided, single submitter. Criteria: Invitae Variant Classification Sherloc (09022015). Collection method: clinical testing. Allele origin: germline.
Comment: In summary, the available evidence is currently insufficient to determine the role of this variant in disease. Therefore, it has been classified as a Variant of Uncertain Significance. Nucleotide substitutions within the consensus splice site are a relatively common cause of aberrant splicing (PMID: 17576681, 9536098). Algorithms developed to predict the effect of sequence changes on RNA splicing suggest that this variant is not likely to affect RNA splicing, but this prediction has not been confirmed by published transcriptional studies. This variant has not been reported in the literature in individuals with PKP2-related conditions. This variant is not present in population databases (ExAC no frequency). This sequence change falls in intron 5 of the PKP2 gene. It does not directly change the encoded amino acid sequence of the PKP2 protein, but it affects a nucleotide within the consensus splice site of the intron.

Literature cited by the submitters: PubMed 17576681 (cited by Labcorp Genetics (formerly Invitae), Labcorp); PubMed 9536098 (cited by Labcorp Genetics (formerly Invitae), Labcorp).